The following is an entry in ClinVar:

NM_153704.6(TMEM67):c.1786G>T (p.Val596Leu)

Gene: TMEM67 (transmembrane protein 67; plus strand). Cytogenetic location: 8q22.1.
Variant type: single nucleotide variant.
Coding change: c.1786G>T on transcript NM_153704.6 (MANE Select); coding-DNA position 1786, G replaced by T.
Protein change: p.Val596Leu; replaces valine 596 with leucine.
Molecular consequence: missense variant. On other transcripts: non-coding transcript variant (1).
Genome position (GRCh38, 1-based): chr8:93,795,913, G>T. VCF-style: chr8-93795913-G-T. GRCh37 (hg19) VCF-style: chr8-94808141-G-T.
Other names: c.1543G>T, p.Val515Leu (NM_001142301.1); c.1786G>T (NM_153704.5); short protein forms V515L, V596L.
Identifiers: ClinVar variation 1402614 (VCV001402614.6), dbSNP rs778478057, ClinGen allele CA181340168.

ClinVar aggregate classification (germline): Uncertain significance. Review status: criteria provided, multiple submitters, no conflicts (2 of 4 stars). 2 submissions from 2 submitters: Uncertain significance (2). Last evaluated 2025-11-18.

Conditions:
TMEM67-related disorder. Also called: TMEM67-related disorders; TMEM67-related condition. Identifiers: MedGen CN239423.
Joubert syndrome. Also called: Familial aplasia of the vermis; JOUBERT-BOLTSHAUSER SYNDROME. Identifiers: Orphanet 475, MedGen C5979921, MONDO:0018772.
Meckel-Gruber syndrome. Also called: Dysencephalia splachnocystica; GRUBER SYNDROME; DYSENCEPHALIA SPLANCHNOCYSTICA. Identifiers: Orphanet 564, MedGen C0265215, MONDO:0018921.

gnomAD v4.1: 11 of 1,606,306 alleles (0.00068%); highest among the groups gnomAD compares: Middle Eastern, 0.017%; no homozygotes.

Submissions (2):

PreventionGenetics, part of Exact Sciences
Classification: Uncertain significance for TMEM67-related condition. Last evaluated: 2025-11-18. Review status: criteria provided, single submitter. Criteria: ACMG Guidelines, 2015. Collection method: clinical testing. Allele origin: germline.
Comment: The TMEM67 c.1786G>T variant is predicted to result in the amino acid substitution p.Val596Leu. To our knowledge, this variant has not been reported in the literature. This variant is reported in 0.00088% of alleles in individuals of European (Non-Finnish) descent in gnomAD. At this time, the clinical significance of this variant is uncertain due to the absence of conclusive functional and genetic evidence.

Labcorp Genetics (formerly Invitae), Labcorp
Classification: Uncertain significance for Joubert syndrome; Meckel-Gruber syndrome. Last evaluated: 2021-09-02. Review status: criteria provided, single submitter. Criteria: Invitae Variant Classification Sherloc (09022015). Collection method: clinical testing. Allele origin: germline.
Comment: This sequence change replaces valine with leucine at codon 596 of the TMEM67 protein (p.Val596Leu). The valine residue is moderately conserved and there is a small physicochemical difference between valine and leucine. This variant is not present in population databases (ExAC no frequency). This variant has not been reported in the literature in individuals affected with TMEM67-related conditions. Advanced modeling of protein sequence and biophysical properties (such as structural, functional, and spatial information, amino acid conservation, physicochemical variation, residue mobility, and thermodynamic stability) performed at Invitae indicates that this missense variant is expected to disrupt TMEM67 protein function. In summary, the available evidence is currently insufficient to determine the role of this variant in disease. Therefore, it has been classified as a Variant of Uncertain Significance.